The following is an entry in ClinVar:

NM_000548.5(TSC2):c.4295C>T (p.Ala1432Val)

Gene: TSC2 (TSC complex subunit 2; plus strand). Cytogenetic location: 16p13.3.
Variant type: single nucleotide variant.
Coding change: c.4295C>T on transcript NM_000548.5 (MANE Select); coding-DNA position 4295, C replaced by T.
Protein change: p.Ala1432Val; replaces alanine 1432 with valine.
Molecular consequence: missense variant.
Genome position (GRCh38, 1-based): chr16:2,084,517, C>T. VCF-style: chr16-2084517-C-T. GRCh37 (hg19) VCF-style: chr16-2134518-C-T.
Other names: c.4094C>T, p.Ala1365Val (NM_001077183.3); c.4226C>T, p.Ala1409Val (NM_001114382.3); c.3986C>T, p.Ala1329Val (NM_001318827.2); c.3950C>T, p.Ala1317Val (NM_001318829.2); c.3563C>T, p.Ala1188Val (NM_001318831.2); c.4127C>T, p.Ala1376Val (NM_001318832.2); c.4097C>T, p.Ala1366Val (NM_001363528.2); c.4163C>T, p.Ala1388Val (NM_001370404.1); and 2 more; short protein forms A1409V, A1329V, A1366V, A1376V, A1432V, A1317V, A1365V, A1388V.
Identifiers: ClinVar variation 1435761 (VCV001435761.9), dbSNP rs2151531391, ClinGen allele CA394301066.
Genomic context (GRCh38, chr16:2,084,517, plus strand): 5'-CTGAGGTTAAGGCCCGGTCACAGTCAGGGACCCTGGACGGGGAAAGTGCTGCCTGGTCGG[C>T]CTCGGGCGAAGACAGTCGGGGCCAGCCCGAGGGTCCCTTGCCTTCCAGCTCCCCCCGCTC-3'
Protein context (NP_000539.2, residues 1422-1442): TLDGESAAWS[Ala1432Val]SGEDSRGQPE

ClinVar aggregate classification (germline): Uncertain significance. Review status: criteria provided, multiple submitters, no conflicts (2 of 4 stars). 3 submissions from 3 submitters: Uncertain significance (3). Last evaluated 2025-10-13.

Conditions:
Hereditary cancer-predisposing syndrome. Also called: Neoplastic Syndromes, Hereditary; Hereditary Cancer Syndrome; Tumor predisposition; Hereditary neoplastic syndrome. Identifiers: Orphanet 140162, MedGen C0027672, MeSH D009386, MONDO:0015356.
Tuberous sclerosis 2 (TSC2). Identifiers: Orphanet 805, MedGen C1860707, MONDO:0013199, OMIM 613254.
Tuberous sclerosis syndrome (TSC). Also called: Tuberous sclerosis; Tuberous Sclerosis Complex. Identifiers: Orphanet 805, MedGen C0041341, MONDO:0001734.

Submissions (3):

Color Diagnostics, LLC DBA Color Health
Classification: Uncertain significance for Tuberous sclerosis syndrome. Last evaluated: 2025-10-13. Review status: criteria provided, single submitter. Criteria: ACMG Guidelines, 2015. Collection method: clinical testing. Allele origin: germline.
Comment: This missense variant replaces alanine with valine at codon 1432 of the TSC2 protein. Computational prediction is inconclusive regarding the impact of this variant on protein structure and function. To our knowledge, functional studies have not been reported for this variant. This variant has not been reported in individuals affected with TSC2-related disorders in the literature. This variant has not been identified in the general population by the Genome Aggregation Database (gnomAD). The available evidence is insufficient to determine the role of this variant in disease conclusively. Therefore, this variant is classified as a Variant of Uncertain Significance.

Labcorp Genetics (formerly Invitae), Labcorp
Classification: Uncertain significance for Tuberous sclerosis 2. Last evaluated: 2025-08-14. Review status: criteria provided, single submitter. Criteria: Invitae Variant Classification Sherloc (09022015). Collection method: clinical testing. Allele origin: germline.
Comment: This sequence change replaces alanine, which is neutral and non-polar, with valine, which is neutral and non-polar, at codon 1432 of the TSC2 protein (p.Ala1432Val). This variant is not present in population databases (gnomAD no frequency). This variant has not been reported in the literature in individuals affected with TSC2-related conditions. ClinVar contains an entry for this variant (Variation ID: 1435761). Invitae Evidence Modeling of protein sequence and biophysical properties (such as structural, functional, and spatial information, amino acid conservation, physicochemical variation, residue mobility, and thermodynamic stability) indicates that this missense variant is not expected to disrupt TSC2 protein function with a negative predictive value of 95%. In summary, the available evidence is currently insufficient to determine the role of this variant in disease. Therefore, it has been classified as a Variant of Uncertain Significance.

Ambry Genetics
Classification: Uncertain significance for Hereditary cancer-predisposing syndrome. Last evaluated: 2025-05-15. Review status: criteria provided, single submitter. Criteria: Ambry Variant Classification Scheme 2023. Collection method: clinical testing. Allele origin: germline.
Comment: The p.A1432V variant (also known as c.4295C>T), located in coding exon 33 of the TSC2 gene, results from a C to T substitution at nucleotide position 4295. The alanine at codon 1432 is replaced by valine, an amino acid with similar properties. This amino acid position is conserved. In addition, the in silico prediction for this alteration is inconclusive. Based on the available evidence, the clinical significance of this variant remains unclear.